The following is an entry in ClinVar:

ClinVar aggregate classification (germline): Likely benign. Review status: criteria provided, multiple submitters, no conflicts (2 of 4 stars). 3 submissions from 2 submitters: Likely benign (3). Last evaluated 2018-01-13.

Conditions:
Achromatopsia. Also called: Rod monochromatism. Identifiers: Orphanet 49382, MedGen C0152200, MONDO:0018852, HP:0011516.
Cone dystrophy 4 (COD4). Identifiers: Orphanet 49382, MedGen C2751308, MONDO:0013129, OMIM 613093.

Allele frequency attached by ClinVar (database versions not stated): gnomAD exomes 0.00067 and 0.00178; ExAC 0.00207; gnomAD 0.00660 and 0.00703; ESP Exome Variant Server 0.00684; TOPMed 0.00750; 1000 Genomes Project 0.00978; 1000 Genomes Project 30x 0.01109.
gnomAD v4.1: 1,904 of 1,418,110 alleles (0.13%); highest among the groups gnomAD compares: African/African-American, 2.2%; 23 homozygotes.

Submissions (3):

Illumina Laboratory Services, Illumina
Classification: Likely benign for Achromatopsia. Last evaluated: 2018-01-13. Review status: criteria provided, single submitter. Criteria: ICSL Variant Classification Criteria 13 December 2019. Collection method: clinical testing. Allele origin: germline.
Comment: This variant was observed in the ICSL laboratory as part of a predisposition screen in an ostensibly healthy population. It had not been previously curated by ICSL or reported in the Human Gene Mutation Database (HGMD: prior to June 1st, 2018), and was therefore a candidate for classification through an automated scoring system. Utilizing variant allele frequency, disease prevalence and penetrance estimates, and inheritance mode, an automated score was calculated to assess if this variant is too frequent to cause the disease. Based on the score and internal cut-off values, a variant classified as likely benign is not then subjected to further curation. The score for this variant resulted in a classification of likely benign for this disease.

Illumina Laboratory Services, Illumina
Classification: Likely benign for Cone dystrophy 4. Last evaluated: 2018-01-13. Review status: criteria provided, single submitter. Criteria: ICSL Variant Classification Criteria 13 December 2019. Collection method: clinical testing. Allele origin: germline.
Comment: the same text as in the submission from Illumina Laboratory Services, Illumina above.

Breakthrough Genomics
Classification: Likely benign. Review status: criteria provided, single submitter. Criteria: ACMG Guidelines, 2015. Collection method: not provided. Allele origin: germline. Inheritance: Autosomal recessive inheritance. Affected: yes.

NM_006204.4(PDE6C):c.*26A>G

Gene: PDE6C (phosphodiesterase 6C; plus strand). Cytogenetic location: 10q23.33.
Variant type: single nucleotide variant.
Coding change: c.*26A>G on transcript NM_006204.4 (MANE Select); 26 bases downstream of the stop codon, A replaced by G.
Molecular consequence: 3 prime UTR variant.
Genome position (GRCh38, 1-based): chr10:93,665,444, A>G. VCF-style: chr10-93665444-A-G. GRCh37 (hg19) VCF-style: chr10-95425201-A-G.
Identifiers: ClinVar variation 301645 (VCV000301645.6), dbSNP rs112520932, ClinGen allele CA5610541.